The following is an entry in ClinVar:

NM_001370259.2(MEN1):c.1378C>A (p.Arg460=)

Gene: MEN1 (menin 1; minus strand). Cytogenetic location: 11q13.1.
Variant type: single nucleotide variant.
Coding change: c.1378C>A on transcript NM_001370259.2 (MANE Select); coding-DNA position 1378, C replaced by A.
Protein change: p.Arg460=; no amino-acid change (arginine 460 retained).
Molecular consequence: synonymous variant.
Genome position (GRCh38, 1-based): chr11:64,804,789, G>T on the plus strand (C>A on the coding strand, the complement: MEN1 is on the minus strand). VCF-style: chr11-64804789-G-T. GRCh37 (hg19) VCF-style: chr11-64572261-G-T.
Other names: c.1393C>A, p.Arg465= (NM_000244.4, NM_130800.3, NM_130801.3 and 3 more transcripts); c.1504C>A, p.Arg502= (NM_001370251.2); c.1378C>A, p.Arg460= (NM_001370260.2, NM_001370261.2, NM_130799.3); c.1273C>A, p.Arg425= (NM_001370262.2, NM_001370263.2).
Identifiers: ClinVar variation 527307 (VCV000527307.12), dbSNP rs104894267, ClinGen allele CA475163620.
Genomic context (GRCh38, chr11:64,804,789, plus strand): 5'-GCCGGCCTTCCCGGGCTTCCTCGCCCCACGGCTCCTCGGCCTCGGCCGCCTCGGCCTCTC[G>T]GCTCACTATGCGCACCTTCTGCCGCACCTGGGCCAGTGGGGAGAGCAAGGTGAGAGCAAG-3'
Protein context (NP_001357188.2, residues 450-470): QVRQKVRIVS[Arg460=]EAEAAEAEEP

ClinVar aggregate classification (germline): Benign/Likely benign. Review status: criteria provided, multiple submitters, no conflicts (2 of 4 stars). 4 submissions from 4 submitters: Benign (1); Likely benign (3). Last evaluated 2024-11-05.

Conditions:
Multiple endocrine neoplasia, type 1 (MEN1). Also called: MEN I; WERMER SYNDROME; Endocrine adenomatosis multiple; MEN 1; MEA I. Identifiers: Orphanet 652, MedGen C0025267, MeSH D018761, MONDO:0007540, OMIM 131100.
Hereditary cancer-predisposing syndrome. Also called: Neoplastic Syndromes, Hereditary; Tumor predisposition; Hereditary neoplastic syndrome; Hereditary Cancer Syndrome. Identifiers: Orphanet 140162, MedGen C0027672, MeSH D009386, MONDO:0015356.

Submissions (4):

Myriad Genetics, Inc.
Classification: Benign for Multiple endocrine neoplasia, type 1. Last evaluated: 2024-11-05. Review status: criteria provided, single submitter. Criteria: Myriad Autosomal Dominant, Autosomal Recessive and X-Linked Classification Criteria (2023). Collection method: clinical testing. Allele origin: unknown.
Comment: This variant is considered benign. This variant is a silent/synonymous amino acid change and it is not expected to impact splicing.

Ambry Genetics
Classification: Likely benign for Hereditary cancer-predisposing syndrome. Last evaluated: 2023-05-26. Review status: criteria provided, single submitter. Criteria: Ambry Variant Classification Scheme 2023. Collection method: clinical testing. Allele origin: germline.

All of Us Research Program, National Institutes of Health
Classification: Likely benign for Multiple endocrine neoplasia, type 1. Last evaluated: 2023-04-10. Review status: criteria provided, single submitter. Criteria: ACMG Guidelines, 2015. Collection method: clinical testing. Allele origin: germline. Inheritance: Autosomal dominant inheritance. Observed: 1 variant allele, 1 heterozygote.
Comment: This study involves interpretation of variants in research participants for the purpose of population health screening. Participant phenotype was not available at the time of variant classification. Additional details can be found in publication PMID: 35346344, PMCID: PMC8962531

Labcorp Genetics (formerly Invitae), Labcorp
Classification: Likely benign for Multiple endocrine neoplasia, type 1. Last evaluated: 2021-05-26. Review status: criteria provided, single submitter. Criteria: Invitae Variant Classification Sherloc (09022015). Collection method: clinical testing. Allele origin: germline.